The following is an entry in ClinVar:

ClinVar aggregate classification (germline): Conflicting classifications of pathogenicity. Review status: criteria provided, conflicting classifications (1 of 4 stars). 6 submissions from 6 submitters: Pathogenic (3); Likely pathogenic (1); Uncertain significance (1). 1 of the submissions does not count toward it. Last evaluated 2025-04-24.

Conditions:
Arrhythmogenic right ventricular cardiomyopathy (ARVD). Also called: Arrhythmogenic right ventricular dysplasia; Arrhythmogenic cardiomyopathy; Arrhythmogenic Right Ventricular Cardiomyopathy (ARVC); Cardiomyopathy, ARVC. Identifiers: Orphanet 247, MedGen C0349788, MeSH D019571, MONDO:0016587. Disease mechanism: loss of function. Inheritance: Various modes of inheritance.
Arrhythmogenic right ventricular dysplasia 10. Also called: Arrhythmogenic Right Ventricular Dysplasia/Cardiomyopathy10; ARRHYTHMOGENIC RIGHT VENTRICULAR DYSPLASIA, FAMILIAL, 10; Arrhythmogenic right ventricular dysplasia/cardiomyopathy, type 10. Identifiers: MedGen C1857777, MONDO:0012434, OMIM 610193.

Allele frequency attached by ClinVar (database versions not stated): gnomAD exomes below 0.00001.

Submissions (6):

Labcorp Genetics (formerly Invitae), Labcorp
Classification: Pathogenic for Arrhythmogenic right ventricular dysplasia 10. Last evaluated: 2025-04-24. Review status: criteria provided, single submitter. Criteria: Invitae Variant Classification Sherloc (09022015). Collection method: clinical testing. Allele origin: germline.
Comment: This sequence change affects an acceptor splice site in intron 12 of the DSG2 gene. RNA analysis indicates that disruption of this splice site induces altered splicing and may result in an absent or altered protein product. This variant is not present in population databases (gnomAD no frequency). Disruption of this splice site has been observed in individual(s) with arrhythmogenic right ventricular cardiomyopathy (PMID: 16505173, 27532257). This variant is also known as c.1881-2A>G. ClinVar contains an entry for this variant (Variation ID: 16817). Studies have shown that disruption of this splice site results in activation of a cryptic splice site, and produces a non-functional protein and/or introduces a premature termination codon (PMID: 16505173). For these reasons, this variant has been classified as Pathogenic.

All of Us Research Program, National Institutes of Health
Classification: Uncertain significance for Arrhythmogenic right ventricular cardiomyopathy. Last evaluated: 2024-07-29. Review status: criteria provided, single submitter. Criteria: ACMG Guidelines, 2015. Collection method: clinical testing. Allele origin: germline. Inheritance: Autosomal dominant inheritance. Observed: 1 variant allele, 1 heterozygote.
Comment: This variant causes an A>G nucleotide substitution at the -2 position of intron 12 of the DSG2 protein. Splice site prediction tools indicate that this variant may activate a cryptic splice donor site 38 nucleotides downstream of the native intron 12 splice site. A functional RNA study has shown that this cryptic splice acceptor site is used, leading to a deletion of 38 nucleotides (PMID: 16505173). As a result, this variant is expected to create a frameshift and premature translation stop signal and is expected to result in an absent or non-functional protein product. This variant has been reported in several individuals affected with arrhythmogenic right ventricular cardiomyopathy (PMID: 16505173, 24070718, 24704780, 26138720, 27532257). Some of these individuals also carried a pathogenic truncation variant in the PKP2 gene that could explain the observed phenotype (PMID: PMID: 24704780). This variant has not been identified in the general population by the Genome Aggregation Database (gnomAD). Clinical relevance of loss-of-function DSC2 truncation and splice variants in autosomal dominant arrhythmogenic cardiomyopathy is not yet clearly established. The available evidence is insufficient to determine the role of this variant in disease conclusively. Therefore, this variant is classified as a Variant of Uncertain Significance.

This study involves interpretation of variants in research participants for the purpose of population health screening. Participant phenotype was not available at the time of variant classification. Additional details can be found in publication PMID: 35346344, PMCID: PMC8962531

CeGaT Center for Human Genetics Tuebingen
Classification: Pathogenic. Last evaluated: 2024-04-01. Review status: criteria provided, single submitter. Criteria: CeGaT Center For Human Genetics Tuebingen Variant Classification Criteria Version 2. Collection method: clinical testing. Allele origin: germline. Affected: yes. Observed: 1 variant allele.
Comment: DSG2: PVS1, PM2, PS4:Moderate

GeneDx
Classification: Pathogenic. Last evaluated: 2020-03-17. Review status: criteria provided, single submitter. Criteria: GeneDx Variant Classification Process June 2021. Collection method: clinical testing. Allele origin: germline. Affected: yes.
Comment: Identified in association with ARVC (Pilichou et al., 2006; Walsh et al., 2017); Published functional studies demonstrate that this variant leads to the inactivation of the natural intron 12 splice acceptor site and the activation of a cryptic splice acceptor site in exon 13, resulting in abnormal gene splicing (Pilichou et al., 2006); Not observed in large population cohorts (Lek et al., 2016); Canonical splice site variant in a gene for which loss-of-function is a known mechanism of disease; Reported in ClinVar as either pathogenic or likely pathogenic (ClinVar Variant ID# 16817; Landrum et al., 2016); This variant is associated with the following publications: (PMID: 16505173, 23381804, 25525159, 27532257, 31402444, 32686758)

Laboratory for Molecular Medicine, Mass General Brigham Personalized Medicine
Classification: Likely pathogenic for Arrhythmogenic right ventricular cardiomyopathy. Last evaluated: 2010-12-17. Review status: criteria provided, single submitter. Criteria: LMM Criteria. Collection method: clinical testing. Allele origin: germline. Observed: 1 variant allele.
Comment: The 1880-2A>G variant has been reported in two siblings with ARVC and was absent from 560 matched control chromosomes, supporting a pathogenic role. However, b oth siblings also carried a second, possibly disease causing variant on the othe r copy of the DSG2 gene (Pilichou, 2006). RNA studies demonstrated that the 1880 -2A>G abolishes the splice site, leading to the use of a cryptic splice site 38 bp downstream. The aberrantly spliced mRNA was shown to lack the first 38 bp of exon 13, which is predicted to cause a frameshift starting at position 627 and p remature termination 19 amino acids later, leading to a truncated or absent prot ein (Pilichou, 2006). In summary, the severity of the change as well as absence from controls suggest that this variant is likely pathogenic.

OMIM
Classification: Pathogenic for ARRHYTHMOGENIC RIGHT VENTRICULAR DYSPLASIA, FAMILIAL, 10. Last evaluated: 2006-03-07. Review status: no assertion criteria provided. Collection method: literature only. Allele origin: germline. Not counted in ClinVar's aggregate classification.

Literature cited by the submitters: PubMed 16505173 (cited by 4 submitters); PubMed 27532257 (cited by Labcorp Genetics (formerly Invitae), Labcorp and All of Us Research Program, National Institutes of Health); PubMed 24070718 (cited by All of Us Research Program, National Institutes of Health); PubMed 24704780 (cited by All of Us Research Program, National Institutes of Health); PubMed 26138720 (cited by All of Us Research Program, National Institutes of Health).

NM_001943.5(DSG2):c.1880-2A>G

Gene: DSG2 (desmoglein 2; plus strand). Cytogenetic location: 18q12.1.
Variant type: single nucleotide variant.
Coding change: c.1880-2A>G on transcript NM_001943.5 (MANE Select); the canonical splice acceptor site of the intron before coding-DNA position 1880, A replaced by G.
Molecular consequence: splice acceptor variant.
Genome position (GRCh38, 1-based): chr18:31,541,191, A>G. VCF-style: chr18-31541191-A-G. GRCh37 (hg19) VCF-style: chr18-29121154-A-G.
Other names: IVS12AS, A-G, -2.
Identifiers: ClinVar variation 16817 (VCV000016817.30), dbSNP rs397514038, ClinGen allele CA021604.
Genomic context (GRCh38, chr18:31,541,191, plus strand): 5'-AATATAAATTTAGAAATATATCAAGGTTAACCTTATCTGTGTTCAATTTTGTGTCTGTAC[A>G]GTGGTACCACTTTTACTGCTGATGTGCCATTGCGGAAAGGGCGCCAAAGGCTTTACCCCC-3'